The following is an entry in ClinVar:

NM_018063.5(HELLS):c.38A>C (p.Glu13Ala)

Gene: HELLS (helicase, lymphoid specific; plus strand). Cytogenetic location: 10q23.33.
Variant type: single nucleotide variant.
Coding change: c.38A>C on transcript NM_018063.5 (MANE Select); coding-DNA position 38, A replaced by C.
Protein change: p.Glu13Ala; replaces glutamic acid 13 with alanine.
Molecular consequence: missense variant. On other transcripts: 5 prime UTR variant (5).
Genome position (GRCh38, 1-based): chr10:94,546,383, A>C. VCF-style: chr10-94546383-A-C. GRCh37 (hg19) VCF-style: chr10-96306140-A-C.
Other names: c.38A>C, p.Glu13Ala (NM_001289067.2, NM_001289069.2, NM_001289070.2 and 1 more transcripts); c.-11A>C (NM_001289068.2); c.-379A>C (NM_001289071.2); c.-312A>C (NM_001289073.2); c.-965A>C (NM_001289074.2); c.-984A>C (NM_001289075.2); short protein forms E13A.
Identifiers: ClinVar variation 4707664 (VCV004707664.1).
Genomic context (GRCh38, chr10:94,546,383, plus strand): 5'-GAGTAGTTGGTAATTTTTTTAAAACTGCAATTTGAAAGCTTTCTCCCCCGTCAGGCTCGG[A>C]GGCTCCAGCAATGGTTGAACAACTGGACACTGCTGTGATTACCCCGGCCATGCTAGAAGA-3'
Protein context (NP_060533.2, residues 3-23): AERPAGSGGS[Glu13Ala]APAMVEQLDT

ClinVar aggregate classification (germline): Uncertain significance (1 of 4 stars; one submission).

gnomAD v4.1: 4 of 1,614,100 alleles (0.00025%); highest among the groups gnomAD compares: Non-Finnish European, 0.00034%; no homozygotes.

Submission:

Labcorp Genetics (formerly Invitae), Labcorp
Classification: Uncertain significance. Last evaluated: 2025-02-09. Review status: criteria provided, single submitter. Criteria: Invitae Variant Classification Sherloc (09022015). Collection method: clinical testing. Allele origin: germline.
Comment: This sequence change replaces glutamic acid, which is acidic and polar, with alanine, which is neutral and non-polar, at codon 13 of the HELLS protein (p.Glu13Ala). This variant is present in population databases (rs779737193, gnomAD 0.0009%). This variant has not been reported in the literature in individuals affected with HELLS-related conditions. An algorithm developed to predict the effect of missense changes on protein structure and function outputs the following: PolyPhen-2: "Benign". The alanine amino acid residue is found in multiple mammalian species, which suggests that this missense change does not adversely affect protein function. In summary, the available evidence is currently insufficient to determine the role of this variant in disease. Therefore, it has been classified as a Variant of Uncertain Significance.